The following is an entry in ClinVar:

ClinVar aggregate classification (germline): Uncertain significance. Review status: criteria provided, multiple submitters, no conflicts (2 of 4 stars). 2 submissions from 2 submitters: Uncertain significance (2). Last evaluated 2022-02-05.

Conditions:
Epidermolysis bullosa simplex 5B, with muscular dystrophy (EBS5B). Also called: EPIDERMOLYSIS BULLOSA SIMPLEX AND LIMB-GIRDLE MUSCULAR DYSTROPHY; Epidermolysis bullosa simplex with muscular dystrophy. Identifiers: Orphanet 257, MedGen C2931072, MONDO:0009181, OMIM 226670.
Epidermolysis bullosa simplex with nail dystrophy (EBS5D). Identifiers: MedGen C4225309, MONDO:0014661, OMIM 616487.
Epidermolysis bullosa simplex, Ogna type (EBS5A). Also called: EPIDERMOLYSIS BULLOSA SIMPLEX 5A, OGNA TYPE; Pidermolysis bullosa simplex 5A, Ogna type. Identifiers: Orphanet 79401, MedGen C0432317, MONDO:0007555, OMIM 131950.
Autosomal recessive limb-girdle muscular dystrophy type 2Q (LGMDR17). Also called: MUSCULAR DYSTROPHY, LIMB-GIRDLE, AUTOSOMAL RECESSIVE 17. Identifiers: Orphanet 254361, MedGen C3150989, MONDO:0013390, OMIM 613723.
Epidermolysis bullosa simplex 5C, with pyloric atresia (EBS5C). Also called: Epidermolysis bullosa simplex with pyloric atresia; PLEC-Related Epidermolysis Bullosa with Pyloric Atresia; PLEC1-Related Epidermolysis Bullosa with Pyloric Atresia. Identifiers: Orphanet 158684, MedGen C2677349, MONDO:0012807, OMIM 612138.

gnomAD v4.1: 1 of 1,612,850 alleles (0.000062%); highest among the groups gnomAD compares: Non-Finnish European, 0.000085%; no homozygotes.

Submissions (2):

Labcorp Genetics (formerly Invitae), Labcorp
Classification: Uncertain significance for Autosomal recessive limb-girdle muscular dystrophy type 2Q; Epidermolysis bullosa simplex, Ogna type; Epidermolysis bullosa simplex with nail dystrophy; Epidermolysis bullosa simplex 5C, with pyloric atresia; Epidermolysis bullosa simplex 5B, with muscular dystrophy. Last evaluated: 2022-02-05. Review status: criteria provided, single submitter. Criteria: Invitae Variant Classification Sherloc (09022015). Collection method: clinical testing. Allele origin: germline.
Comment: This sequence change replaces alanine, which is neutral and non-polar, with valine, which is neutral and non-polar, at codon 4398 of the PLEC protein (p.Ala4398Val). This variant is not present in population databases (gnomAD no frequency). This variant has not been reported in the literature in individuals affected with PLEC-related conditions. ClinVar contains an entry for this variant (Variation ID: 946987). Algorithms developed to predict the effect of missense changes on protein structure and function (SIFT, PolyPhen-2, Align-GVGD) all suggest that this variant is likely to be disruptive. In summary, the available evidence is currently insufficient to determine the role of this variant in disease. Therefore, it has been classified as a Variant of Uncertain Significance.

Revvity Omics, Revvity
Classification: Uncertain significance. Last evaluated: 2019-08-22. Review status: criteria provided, single submitter. Criteria: ACMG Guidelines, 2015. Collection method: clinical testing. Allele origin: germline.

NM_201384.3(PLEC):c.13112C>T (p.Ala4371Val)

Gene: PLEC (plectin; minus strand). Cytogenetic location: 8q24.3.
Variant type: single nucleotide variant.
Coding change: c.13112C>T on transcript NM_201384.3 (MANE Select); coding-DNA position 13112, C replaced by T.
Protein change: p.Ala4371Val; replaces alanine 4371 with valine.
Molecular consequence: missense variant.
Genome position (GRCh38, 1-based): chr8:143,916,709, G>A on the plus strand (C>T on the coding strand, the complement: PLEC is on the minus strand). VCF-style: chr8-143916709-G-A. GRCh37 (hg19) VCF-style: chr8-144990877-G-A.
Other names: c.13193C>T, p.Ala4398Val (NM_000445.5); c.13070C>T, p.Ala4357Val (NM_201378.4); c.13046C>T, p.Ala4349Val (NM_201379.3); c.13523C>T, p.Ala4508Val (NM_201380.4); c.13016C>T, p.Ala4339Val (NM_201381.3); c.13112C>T, p.Ala4371Val (NM_201382.4); c.13124C>T, p.Ala4375Val (NM_201383.3); c.13193C>T (NM_000445.3); short protein forms A4371V, A4375V, A4508V, A4339V, A4349V, A4398V, A4357V.
Identifiers: ClinVar variation 946987 (VCV000946987.12), dbSNP rs1820690934, ClinGen allele CA372476670.